The following is an entry in ClinVar:

NM_001844.5(COL2A1):c.2822C>T (p.Ala941Val)

Gene: COL2A1 (collagen type II alpha 1 chain; minus strand). Cytogenetic location: 12q13.11.
Variant type: single nucleotide variant.
Coding change: c.2822C>T on transcript NM_001844.5 (MANE Select); coding-DNA position 2822, C replaced by T.
Protein change: p.Ala941Val; replaces alanine 941 with valine.
Molecular consequence: missense variant.
Genome position (GRCh38, 1-based): chr12:47,978,670, G>A on the plus strand (C>T on the coding strand, the complement: COL2A1 is on the minus strand). VCF-style: chr12-47978670-G-A. GRCh37 (hg19) VCF-style: chr12-48372453-G-A.
Other names: c.2615C>T, p.Ala872Val (NM_033150.3); short protein forms A872V, A941V.
Identifiers: ClinVar variation 1359669 (VCV001359669.30), dbSNP rs936065719, ClinGen allele CA236521957.

ClinVar aggregate classification (germline): Conflicting classifications of pathogenicity. Review status: criteria provided, conflicting classifications (1 of 4 stars). 3 submissions from 3 submitters: Uncertain significance (2); Likely benign (1). Last evaluated 2024-03-01.

Allele frequency attached by ClinVar (database versions not stated): gnomAD exomes below 0.00001.

Submissions (3):

CeGaT Center for Human Genetics Tuebingen
Classification: Uncertain significance. Last evaluated: 2024-03-01. Review status: criteria provided, single submitter. Criteria: CeGaT Center For Human Genetics Tuebingen Variant Classification Criteria Version 2. Collection method: clinical testing. Allele origin: germline. Affected: yes. Observed: 1 variant allele.
Comment: COL2A1: PM1, PM2

Labcorp Genetics (formerly Invitae), Labcorp
Classification: Uncertain significance. Last evaluated: 2022-11-01. Review status: criteria provided, single submitter. Criteria: Invitae Variant Classification Sherloc (09022015). Collection method: clinical testing. Allele origin: germline.
Comment: ClinVar contains an entry for this variant (Variation ID: 1359669). Advanced modeling of protein sequence and biophysical properties (such as structural, functional, and spatial information, amino acid conservation, physicochemical variation, residue mobility, and thermodynamic stability) performed at Invitae indicates that this missense variant is not expected to disrupt COL2A1 protein function. In summary, the available evidence is currently insufficient to determine the role of this variant in disease. Therefore, it has been classified as a Variant of Uncertain Significance. This missense change has been observed in individuals with Legg–Calve–Perthes disease (Invitae). This variant is not present in population databases (gnomAD no frequency). This sequence change replaces alanine, which is neutral and non-polar, with valine, which is neutral and non-polar, at codon 941 of the COL2A1 protein (p.Ala941Val).

Blueprint Genetics
Classification: Likely benign. Last evaluated: 2021-09-24. Review status: criteria provided, single submitter. Criteria: ACMG Guidelines, 2015. Collection method: clinical testing. Allele origin: germline.